The following is an entry in ClinVar:

ClinVar aggregate classification (germline): Conflicting classifications of pathogenicity. Review status: criteria provided, conflicting classifications (1 of 4 stars). 6 submissions from 6 submitters: Uncertain significance (1); Likely benign (4). 1 of the submissions does not count toward it. Last evaluated 2025-12-31.

Conditions:
Citrullinemia. Identifiers: Orphanet 187, MedGen C0175683, MONDO:0015991.
Citrullinemia type I (CTNL1). Also called: argininosuccinate synthetase deficiency; ASS DEFICIENCY. Identifiers: Orphanet 247525, MedGen C4721769, MONDO:0008988, OMIM 215700.

Allele frequency attached by ClinVar (database versions not stated): gnomAD exomes 0.00021 and 0.00039; ExAC 0.00023; TOPMed 0.00023; gnomAD 0.00029 and 0.00031; ESP Exome Variant Server 0.00069.
gnomAD v4.1: 602 of 1,613,126 alleles (0.037%); highest among the groups gnomAD compares: Non-Finnish European, 0.05%; 1 homozygote.

Submissions (6):

Labcorp Genetics (formerly Invitae), Labcorp
Classification: Likely benign for Citrullinemia. Last evaluated: 2025-12-31. Review status: criteria provided, single submitter. Criteria: Invitae Variant Classification Sherloc (09022015). Collection method: clinical testing. Allele origin: germline.

Mayo Clinic Laboratories, Mayo Clinic
Classification: Likely benign. Last evaluated: 2025-01-28. Review status: criteria provided, single submitter. Criteria: ACMG Guidelines, 2015. Collection method: clinical testing. Allele origin: germline. Observed: 1 variant allele.
Comment: BP4, BP7

CeGaT Center for Human Genetics Tuebingen
Classification: Likely benign. Last evaluated: 2021-04-01. Review status: criteria provided, single submitter. Criteria: CeGaT Center For Human Genetics Tuebingen Variant Classification Criteria Version 2. Collection method: clinical testing. Allele origin: germline. Affected: yes. Observed: 1 variant allele.

Women's Health and Genetics/Laboratory Corporation of America, LabCorp
Classification: Likely benign. Last evaluated: 2019-08-21. Review status: criteria provided, single submitter. Criteria: LabCorp Variant Classification Summary - May 2015. Collection method: clinical testing. Allele origin: germline.

Illumina Laboratory Services, Illumina
Classification: Uncertain significance for Citrullinemia type I. Last evaluated: 2018-01-12. Review status: criteria provided, single submitter. Criteria: ICSL Variant Classification Criteria 13 December 2019. Collection method: clinical testing. Allele origin: germline.

Natera, Inc.
Classification: Uncertain significance for Citrullinemia type I. Last evaluated: 2020-04-13. Review status: no assertion criteria provided. Collection method: clinical testing. Allele origin: germline. Not counted in ClinVar's aggregate classification.

NM_054012.4(ASS1):c.333C>T (p.Ala111=)

Gene: ASS1 (argininosuccinate synthase 1; plus strand). Cytogenetic location: 9q34.11.
Variant type: single nucleotide variant.
Coding change: c.333C>T on transcript NM_054012.4 (MANE Select); coding-DNA position 333, C replaced by T.
Protein change: p.Ala111=; no amino-acid change (alanine 111 retained).
Molecular consequence: synonymous variant.
Genome position (GRCh38, 1-based): chr9:130,458,559, C>T. VCF-style: chr9-130458559-C-T. GRCh37 (hg19) VCF-style: chr9-133333946-C-T.
Other names: p.Ala111=; c.333C>T, p.Ala111= (NM_000050.4).
Identifiers: ClinVar variation 365253 (VCV000365253.54), dbSNP rs141568959, ClinGen allele CA5283228.